The following is an entry in ClinVar:

NC_000017.10:g.(?_59858191)_(59938900_?)del

Gene: BRIP1 (BRCA1 interacting DNA helicase 1; minus strand). Cytogenetic location: 17q23.2.
Variant type: Deletion.
Identifiers: ClinVar variation 3242959 (VCV003242959.1).

ClinVar aggregate classification (germline): Pathogenic (1 of 4 stars; one submission).

Conditions:
Familial cancer of breast. Also called: BREAST CANCER, FAMILIAL; hereditary breast carcinoma; Hereditary breast cancer. Identifiers: Orphanet 227535, MedGen C0346153, MONDO:0016419, OMIM 114480. Disease mechanism: loss of function.
Fanconi anemia complementation group J. Also called: BRIP1-Related Fanconi Anemia. Identifiers: Orphanet 84, MedGen C1836860, MONDO:0012187, OMIM 609054.

Submission:

Labcorp Genetics (formerly Invitae), Labcorp
Classification: Pathogenic for Familial cancer of breast; Fanconi anemia complementation group J. Last evaluated: 2023-02-18. Review status: criteria provided, single submitter. Criteria: Invitae Variant Classification Sherloc (09022015). Collection method: clinical testing. Allele origin: unknown.
Comment: This variant has not been reported in the literature in individuals affected with BRIP1-related conditions. This variant is a gross deletion of the genomic region encompassing exon(s) 2-12 of the BRIP1 gene, which includes the initiator codon. This deletion extends beyond the assayed region for this gene and therefore may encompass additional genes. It is expected to result in an absent or disrupted protein product. Loss-of-function variants in BRIP1 are known to be pathogenic (PMID: 16116423, 17033622, 21964575). For these reasons, this variant has been classified as Pathogenic.

Literature cited by the submitters: PubMed 16116423; PubMed 17033622; PubMed 21964575.